The following is an entry in ClinVar:

NM_003356.4(UCP3):c.11T>C (p.Leu4Pro)

Gene: UCP3 (uncoupling protein 3; minus strand). Cytogenetic location: 11q13.4.
Variant type: single nucleotide variant.
Coding change: c.11T>C on transcript NM_003356.4 (MANE Select); coding-DNA position 11, T replaced by C.
Protein change: p.Leu4Pro; replaces leucine 4 with proline.
Molecular consequence: missense variant.
Genome position (GRCh38, 1-based): chr11:74,007,032, A>G on the plus strand (T>C on the coding strand, the complement: UCP3 is on the minus strand). VCF-style: chr11-74007032-A-G. GRCh37 (hg19) VCF-style: chr11-73718077-A-G.
Other names: c.11T>C, p.Leu4Pro (NM_022803.3); short protein forms L4P.
Identifiers: ClinVar variation 3355610 (VCV003355610.3).

ClinVar aggregate classification (germline): Uncertain significance. Review status: criteria provided, single submitter (1 of 4 stars). 2 submissions from 2 submitters: Uncertain significance (1). 1 of the submissions does not count toward it. Last evaluated 2024-08-30.

Conditions:
UCP3-related disorder. Also called: UCP3-related condition.

gnomAD v4.1: 13 of 1,613,912 alleles (0.00081%); highest among the groups gnomAD compares: Non-Finnish European, 0.00093%; no homozygotes.

Submissions (2):

Labcorp Genetics (formerly Invitae), Labcorp
Classification: Uncertain significance. Last evaluated: 2024-08-30. Review status: criteria provided, single submitter. Criteria: Invitae Variant Classification Sherloc (09022015). Collection method: clinical testing. Allele origin: germline.
Comment: This sequence change replaces leucine, which is neutral and non-polar, with proline, which is neutral and non-polar, at codon 4 of the UCP3 protein (p.Leu4Pro). This variant is present in population databases (rs141482270, gnomAD 0.002%). This variant has not been reported in the literature in individuals affected with UCP3-related conditions. An algorithm developed to predict the effect of missense changes on protein structure and function (PolyPhen-2) suggests that this variant is likely to be disruptive. In summary, the available evidence is currently insufficient to determine the role of this variant in disease. Therefore, it has been classified as a Variant of Uncertain Significance.

PreventionGenetics, part of Exact Sciences
Classification: Uncertain significance for UCP3-related condition. Last evaluated: 2024-06-17. Review status: no assertion criteria provided. Collection method: clinical testing. Allele origin: germline. Not counted in ClinVar's aggregate classification.
Comment: The UCP3 c.11T>C variant is predicted to result in the amino acid substitution p.Leu4Pro. To our knowledge, this variant has not been reported in the literature. This variant is reported in 0.00088% of alleles in individuals of European (Non-Finnish) descent in gnomAD. At this time, the clinical significance of this variant is uncertain due to the absence of conclusive functional and genetic evidence.